The following is an entry in ClinVar:

ClinVar aggregate classification (germline): Uncertain significance. Review status: criteria provided, multiple submitters, no conflicts (2 of 4 stars). 2 submissions from 2 submitters: Uncertain significance (2). Last evaluated 2022-07-13.

Conditions:
Inborn genetic diseases. Identifiers: MedGen C0950123, MeSH D030342.
Spastic paraplegia. Identifiers: MedGen C0037772, HP:0001258.

Allele frequency attached by ClinVar (database versions not stated): gnomAD exomes below 0.00001 and 0.00001; ExAC 0.00001.
gnomAD v4.1: 10 of 1,614,200 alleles (0.00062%); highest among the groups gnomAD compares: Non-Finnish European, 0.00085%; no homozygotes.

Submissions (2):

Ambry Genetics
Classification: Uncertain significance for Inborn genetic diseases. Last evaluated: 2022-07-13. Review status: criteria provided, single submitter. Criteria: Ambry Variant Classification Scheme 2023. Collection method: clinical testing. Allele origin: germline.

Labcorp Genetics (formerly Invitae), Labcorp
Classification: Uncertain significance for Spastic paraplegia. Last evaluated: 2021-08-31. Review status: criteria provided, single submitter. Criteria: Invitae Variant Classification Sherloc (09022015). Collection method: clinical testing. Allele origin: germline.
Comment: This sequence change replaces leucine with phenylalanine at codon 692 of the ZFYVE26 protein (p.Leu692Phe). The leucine residue is highly conserved and there is a small physicochemical difference between leucine and phenylalanine. This variant is not present in population databases (ExAC no frequency). This variant has not been reported in the literature in individuals affected with ZFYVE26-related conditions. In summary, the available evidence is currently insufficient to determine the role of this variant in disease. Therefore, it has been classified as a Variant of Uncertain Significance.

NM_015346.4(ZFYVE26):c.2074C>T (p.Leu692Phe)

Gene: ZFYVE26 (zinc finger FYVE-type containing 26; minus strand). Cytogenetic location: 14q24.1.
Variant type: single nucleotide variant.
Coding change: c.2074C>T on transcript NM_015346.4 (MANE Select); coding-DNA position 2074, C replaced by T.
Protein change: p.Leu692Phe; replaces leucine 692 with phenylalanine.
Molecular consequence: missense variant.
Genome position (GRCh38, 1-based): chr14:67,798,188, G>A on the plus strand (C>T on the coding strand, the complement: ZFYVE26 is on the minus strand). VCF-style: chr14-67798188-G-A. GRCh37 (hg19) VCF-style: chr14-68264905-G-A.
Other names: short protein forms L692F.
Identifiers: ClinVar variation 188069 (VCV000188069.6), dbSNP rs759435050, ClinGen allele CA333967.
Genomic context (GRCh38, chr14:67,798,188, plus strand): 5'-TTTCTTGCTTTGGCTTCTCAGGAGGGCTGCGGCTACTGATCTCATCCAGTTGCTCTTGGA[G>A]AAGCCTGAGGAAGGCCCCTATTGCAAATTCATCAGCCAGAAATCCACTGATACCACTAGT-3'
Protein context (NP_056161.2, residues 682-702): EFAIGAFLRL[Leu692Phe]QEQLDEISSR